The following is an entry in ClinVar:

NM_001042681.2(RERE):c.2970C>G (p.Leu990=)

Gene: RERE (arginine-glutamic acid dipeptide repeats; minus strand). Cytogenetic location: 1p36.23.
Variant type: single nucleotide variant.
Coding change: c.2970C>G on transcript NM_001042681.2 (MANE Select); coding-DNA position 2970, C replaced by G.
Protein change: p.Leu990=; no amino-acid change (leucine 990 retained).
Molecular consequence: synonymous variant.
Genome position (GRCh38, 1-based): chr1:8,360,537, G>C on the plus strand (C>G on the coding strand, the complement: RERE is on the minus strand). VCF-style: chr1-8360537-G-C. GRCh37 (hg19) VCF-style: chr1-8420597-G-C.
Other names: c.1308C>G, p.Leu436= (NM_001042682.2); c.2970C>G, p.Leu990= (NM_012102.4).
Identifiers: ClinVar variation 3026201 (VCV003026201.22), dbSNP rs547488776, ClinGen allele CA571273.

ClinVar aggregate classification (germline): Likely benign (1 of 4 stars; one submission).

Allele frequency attached by ClinVar (database versions not stated): gnomAD exomes 0.00002; ExAC 0.00018; gnomAD 0.00036; 1000 Genomes Project 0.00040.
gnomAD v4.1: 69 of 1,073,794 alleles (0.0064%); highest among the groups gnomAD compares: African/African-American, 0.12%; no homozygotes.

Submission:

CeGaT Center for Human Genetics Tuebingen
Classification: Likely benign. Last evaluated: 2024-01-01. Review status: criteria provided, single submitter. Criteria: CeGaT Center For Human Genetics Tuebingen Variant Classification Criteria Version 2. Collection method: clinical testing. Allele origin: germline. Affected: yes. Observed: 1 variant allele.
Comment: RERE: BP4, BP7, BS1